The following is an entry in ClinVar:

NM_001142800.2(EYS):c.6291_6305del (p.Ala2098_Val2102del)

Gene: EYS (EGF-like photoreceptor maintenance factor; minus strand). Cytogenetic location: 6q12.
Variant type: Deletion.
Coding change: c.6291_6305del on transcript NM_001142800.2 (MANE Select); coding-DNA positions 6291 to 6305, 15 bases deleted (TGCAGCACCCTCTGT).
Protein change: p.Ala2098_Val2102del.
Molecular consequence: inframe deletion.
Genome position (GRCh38, 1-based): chr6:64,230,711-64,230,725, ACAGAGGGTGCTGCA deleted on the plus strand (TGCAGCACCCTCTGT on the coding strand, the reverse complement: EYS is on the minus strand); deleting any 15 consecutive bases within chr6:64,230,711-64,230,733 gives the same sequence; the c. name uses the placement nearest the transcript's 3' end. VCF-style (leftmost placement, unchanged base first): chr6-64230710-CACAGAGGGTGCTGCA-C. GRCh37 (hg19) VCF-style: chr6-64940603-CACAGAGGGTGCTGCA-C.
Other names: c.6291_6305del, p.Ala2098_Val2102del (NM_001292009.2).
Identifiers: ClinVar variation 5003607 (VCV005003607.1).

ClinVar aggregate classification (germline): Uncertain significance (1 of 4 stars; one submission).

Conditions:
Retinitis pigmentosa 25 (RP25). Identifiers: Orphanet 791, MedGen C1864446, MONDO:0011272, OMIM 602772.

Submission:

Myriad Genetics, Inc.
Classification: Uncertain significance for Retinitis pigmentosa 25. Last evaluated: 2026-06-26. Review status: criteria provided, single submitter. Criteria: Myriad Autosomal Dominant, Autosomal Recessive and X-Linked Classification Criteria (2023). Collection method: clinical testing. Allele origin: unknown.
Comment: NM_001142800.1(EYS):c.6291_6305del15(A2098_V2102del) is an in-frame deletion classified as a variant of uncertain significance in the context of retinitis pigmentosa, EYS-related. A2098_V2102del has not been observed in cases with relevant disease. Relevant functional assessments of this variant are not available in the literature. A2098_V2102del has been observed in referenced population frequency databases. In summary, there is insufficient evidence to classify NM_001142800.1(EYS):c.6291_6305del15(A2098_V2102del) as pathogenic or benign. Please note: this variant was assessed in the context of healthy population screening.